The following is an entry in ClinVar:

ClinVar aggregate classification (germline): Likely benign. Review status: criteria provided, multiple submitters, no conflicts (2 of 4 stars). 2 submissions from 2 submitters: Likely benign (2). Last evaluated 2026-02-14.

Conditions:
PLEC-related disorder. Also called: PLEC-related condition; PLEC-related disorders.
Epidermolysis bullosa simplex, Ogna type (EBS5A). Also called: EPIDERMOLYSIS BULLOSA SIMPLEX 5A, OGNA TYPE; Pidermolysis bullosa simplex 5A, Ogna type. Identifiers: Orphanet 79401, MedGen C0432317, MONDO:0007555, OMIM 131950.
Epidermolysis bullosa simplex 5C, with pyloric atresia (EBS5C). Also called: PLEC1-Related Epidermolysis Bullosa with Pyloric Atresia; PLEC-Related Epidermolysis Bullosa with Pyloric Atresia; Epidermolysis bullosa simplex with pyloric atresia. Identifiers: Orphanet 158684, MedGen C2677349, MONDO:0012807, OMIM 612138.
Autosomal recessive limb-girdle muscular dystrophy type 2Q (LGMDR17). Also called: MUSCULAR DYSTROPHY, LIMB-GIRDLE, AUTOSOMAL RECESSIVE 17. Identifiers: Orphanet 254361, MedGen C3150989, MONDO:0013390, OMIM 613723.
Epidermolysis bullosa simplex 5B, with muscular dystrophy (EBS5B). Also called: EPIDERMOLYSIS BULLOSA SIMPLEX AND LIMB-GIRDLE MUSCULAR DYSTROPHY; Epidermolysis bullosa simplex with muscular dystrophy. Identifiers: Orphanet 257, MedGen C2931072, MONDO:0009181, OMIM 226670.
Epidermolysis bullosa simplex with nail dystrophy (EBS5D). Identifiers: MedGen C4225309, MONDO:0014661, OMIM 616487.

Allele frequency attached by ClinVar (database versions not stated): gnomAD exomes 0.00001; gnomAD 0.00002; TOPMed 0.00003.
gnomAD v4.1: 16 of 1,613,506 alleles (0.00099%); highest among the groups gnomAD compares: Non-Finnish European, 0.0014%; no homozygotes.

Submissions (2):

PreventionGenetics, part of Exact Sciences
Classification: Likely benign for PLEC-related condition. Last evaluated: 2026-02-14. Review status: criteria provided, single submitter. Criteria: ACMG Guidelines, 2015. Collection method: clinical testing. Allele origin: germline.
Comment: This variant is classified as likely benign based on ACMG/AMP sequence variant interpretation guidelines (Richards et al. 2015 PMID: 25741868, with internal and published modifications).

Labcorp Genetics (formerly Invitae), Labcorp
Classification: Likely benign for Autosomal recessive limb-girdle muscular dystrophy type 2Q; Epidermolysis bullosa simplex, Ogna type; Epidermolysis bullosa simplex with nail dystrophy; Epidermolysis bullosa simplex 5C, with pyloric atresia; Epidermolysis bullosa simplex 5B, with muscular dystrophy. Last evaluated: 2025-10-02. Review status: criteria provided, single submitter. Criteria: Invitae Variant Classification Sherloc (09022015). Collection method: clinical testing. Allele origin: germline.

NM_201384.3(PLEC):c.12108G>A (p.Lys4036=)

Gene: PLEC (plectin; minus strand). Cytogenetic location: 8q24.3.
Variant type: single nucleotide variant.
Coding change: c.12108G>A on transcript NM_201384.3 (MANE Select); coding-DNA position 12108, G replaced by A.
Protein change: p.Lys4036=; no amino-acid change (lysine 4036 retained).
Molecular consequence: synonymous variant.
Genome position (GRCh38, 1-based): chr8:143,917,713, C>T on the plus strand (G>A on the coding strand, the complement: PLEC is on the minus strand). VCF-style: chr8-143917713-C-T. GRCh37 (hg19) VCF-style: chr8-144991881-C-T.
Other names: c.12189G>A (NM_000445.4); c.12189G>A, p.Lys4063= (NM_000445.5); c.8808G>A, p.Lys2936= (NM_001410941.1); c.12066G>A, p.Lys4022= (NM_201378.4); c.12042G>A, p.Lys4014= (NM_201379.3); c.12519G>A, p.Lys4173= (NM_201380.4); c.12012G>A, p.Lys4004= (NM_201381.3); c.12108G>A, p.Lys4036= (NM_201382.4); and 1 more.
Identifiers: ClinVar variation 2031120 (VCV002031120.5), dbSNP rs1465441438, ClinGen allele CA463527773.